The following is an entry in ClinVar:

ClinVar aggregate classification (germline): Benign. Review status: criteria provided, single submitter (1 of 4 stars). 2 submissions from 2 submitters: Benign (1). 1 of the submissions does not count toward it. Last evaluated 2025-12-30.

Conditions:
ESR2-related disorder. Also called: ESR2-related condition.

Allele frequency attached by ClinVar (database versions not stated): gnomAD 0.00411 and 0.00429; TOPMed 0.00445; ESP Exome Variant Server 0.00500; 1000 Genomes Project 0.00599; 1000 Genomes Project 30x 0.00703; ExAC 0.00150.
gnomAD v4.1: 1,193 of 1,614,162 alleles (0.074%); highest among the groups gnomAD compares: African/African-American, 1.4%; 17 homozygotes.

Submissions (2):

Labcorp Genetics (formerly Invitae), Labcorp
Classification: Benign. Last evaluated: 2025-12-30. Review status: criteria provided, single submitter. Criteria: Invitae Variant Classification Sherloc (09022015). Collection method: clinical testing. Allele origin: germline.

PreventionGenetics, part of Exact Sciences
Classification: Benign for ESR2-related condition. Last evaluated: 2019-04-05. Review status: no assertion criteria provided. Collection method: clinical testing. Allele origin: germline. Not counted in ClinVar's aggregate classification.
Comment: This variant is classified as benign based on ACMG/AMP sequence variant interpretation guidelines (Richards et al. 2015 PMID: 25741868, with internal and published modifications).

NM_001437.3(ESR2):c.468A>T (p.Ala156=)

Gene: ESR2 (estrogen receptor 2; minus strand). Cytogenetic location: 14q23.2.
Variant type: single nucleotide variant.
Coding change: c.468A>T on transcript NM_001437.3 (MANE Select); coding-DNA position 468, A replaced by T.
Protein change: p.Ala156=; no amino-acid change (alanine 156 retained).
Molecular consequence: synonymous variant. On other transcripts: non-coding transcript variant (1).
Genome position (GRCh38, 1-based): chr14:64,280,048, T>A on the plus strand (A>T on the coding strand, the complement: ESR2 is on the minus strand). VCF-style: chr14-64280048-T-A. GRCh37 (hg19) VCF-style: chr14-64746766-T-A.
Other names: c.468A>T, p.Ala156= (NM_001040275.1, NM_001214902.1, NM_001271876.1 and 3 more transcripts).
Identifiers: ClinVar variation 728713 (VCV000728713.11), dbSNP rs1541060, ClinGen allele CA7225581.